The following is an entry in ClinVar:

NM_206933.4(USH2A):c.1991G>A (p.Cys664Tyr)

Gene: USH2A (usherin; minus strand). Cytogenetic location: 1q41.
Variant type: single nucleotide variant.
Coding change: c.1991G>A on transcript NM_206933.4 (MANE Select); coding-DNA position 1991, G replaced by A.
Protein change: p.Cys664Tyr; replaces cysteine 664 with tyrosine.
Molecular consequence: missense variant.
Genome position (GRCh38, 1-based): chr1:216,251,079, C>T on the plus strand (G>A on the coding strand, the complement: USH2A is on the minus strand). VCF-style: chr1-216251079-C-T. GRCh37 (hg19) VCF-style: chr1-216424421-C-T.
Other names: c.1991G>A, p.Cys664Tyr (NM_007123.6); short protein forms C664Y.
Identifiers: ClinVar variation 4818877 (VCV004818877.1).

ClinVar aggregate classification (germline): Uncertain significance (1 of 4 stars; one submission).

Conditions:
Usher syndrome type 2A. Also called: RETINAL DISEASE IN USHER SYNDROME TYPE IIA, MODIFIER OF; USHER SYNDROME, TYPE IIA. Identifiers: Orphanet 231178, Orphanet 886, MedGen C1848634, MONDO:0010169, OMIM 276901.

Submission:

MVZ Medizinische Genetik Mainz
Classification: Uncertain significance for Usher syndrome type 2A. Last evaluated: 2026-03-09. Review status: criteria provided, single submitter. Criteria: UK Practice Guidelines For Variant Classification V4 01 2020. Collection method: clinical testing. Allele origin: germline. Inheritance: Autosomal recessive inheritance. Affected: yes. Observed: 1 variant allele.
Comment: ACMG Criteria: PM3,PM2_SUP,PP3